The following is an entry in ClinVar:

ClinVar aggregate classification (germline): Likely pathogenic (1 of 4 stars; one submission).

Conditions:
Dilated cardiomyopathy 1G (CMD1G). Identifiers: Orphanet 154, MedGen C1858763, MONDO:0011400, OMIM 604145.
Autosomal recessive limb-girdle muscular dystrophy type 2J (LGMDR10). Also called: Limb-girdle muscular dystrophy, type 2J; MUSCULAR DYSTROPHY, LIMB-GIRDLE, AUTOSOMAL RECESSIVE 10. Identifiers: Orphanet 140922, MedGen C1837342, MONDO:0012127, OMIM 608807.

Submission:

Labcorp Genetics (formerly Invitae), Labcorp
Classification: Likely pathogenic for Dilated cardiomyopathy 1G; Autosomal recessive limb-girdle muscular dystrophy type 2J. Last evaluated: 2024-10-28. Review status: criteria provided, single submitter. Criteria: Invitae Variant Classification Sherloc (09022015). Collection method: clinical testing. Allele origin: germline.
Comment: This sequence change affects an acceptor splice site in intron 74 of the TTN gene. It is expected to disrupt RNA splicing and likely results in a truncated or disrupted TTN protein. This variant is not present in population databases (gnomAD no frequency). This variant has not been reported in the literature in individuals affected with TTN-related conditions. Algorithms developed to predict the effect of sequence changes on RNA splicing suggest that this variant may disrupt the consensus splice site. This variant is located in the I band of TTN (PMID: 25589632). Truncating variants in this region have been reported in individuals affected with autosomal recessive centronuclear myopathy (PMID: 23975875, internal data). Truncating variants in this region have also been identified in individuals affected with autosomal dominant dilated cardiomyopathy and/or cardio-related conditions (PMID: 27869827, 32964742, internal data). In summary, the currently available evidence indicates that the variant is pathogenic, but additional data are needed to prove that conclusively. Therefore, this variant has been classified as Likely Pathogenic.

Literature cited by the submitters: PubMed 25589632; PubMed 23975875; PubMed 27869827; PubMed 32964742.

NM_001267550.2(TTN):c.21683-2A>G

Gene: TTN (titin; minus strand). Cytogenetic location: 2q31.2.
Variant type: single nucleotide variant.
Coding change: c.21683-2A>G on transcript NM_001267550.2 (MANE Select); the canonical splice acceptor site of the intron before coding-DNA position 21683, A replaced by G.
Molecular consequence: splice acceptor variant. On other transcripts: intron variant (3).
Genome position (GRCh38, 1-based): chr2:178,723,326, T>C on the plus strand (A>G on the coding strand, the complement: TTN is on the minus strand). VCF-style: chr2-178723326-T-C. GRCh37 (hg19) VCF-style: chr2-179588053-T-C.
Other names: c.13282+14756A>G (NM_003319.4); c.13858+14756A>G (NM_133437.4); c.13657+14756A>G (NM_133432.3); c.17951-2A>G (NM_133378.4); c.20732-2A>G (NM_001256850.1).
Identifiers: ClinVar variation 2945892 (VCV002945892.3), dbSNP rs2529549823, ClinGen allele CA349532545.